The following is an entry in ClinVar:

ClinVar aggregate classification (germline): Uncertain significance. Review status: criteria provided, multiple submitters, no conflicts (2 of 4 stars). 3 submissions from 3 submitters: Uncertain significance (3). Last evaluated 2025-08-20.

Conditions:
Ocular cystinosis. Also called: Non-Nephropathic Cystinosis; Non-Nephropathic (Ocular) Cystinosis. Identifiers: Orphanet 213, Orphanet 411641, MedGen C2931013, MONDO:0009064, OMIM 219750.
Nephropathic cystinosis (CTNS). Also called: CYSTINOSIN, DEFECT OF; LYSOSOMAL CYSTINE TRANSPORT PROTEIN, DEFECT OF; Abderhalden Lignac Kaufmann disease; Abderhalden-Kaufmann-Lignac syndrome. Identifiers: Orphanet 213, Orphanet 411629, MedGen C2931187, MONDO:0100151, OMIM 219800.
Juvenile nephropathic cystinosis. Also called: Intermediate Cystinosis; CYSTINOSIS, LATE-ONSET JUVENILE OR ADOLESCENT NEPHROPATHIC TYPE; Later-Onset (Juvenile) Cystinosis. Identifiers: Orphanet 213, Orphanet 411634, MedGen C0268626, MONDO:0009066, OMIM 219900.
Inborn genetic diseases. Identifiers: MedGen C0950123, MeSH D030342.

Allele frequency attached by ClinVar (database versions not stated): gnomAD exomes 0.00001; ExAC 0.00003; gnomAD 0.00009; TOPMed 0.00024; 1000 Genomes Project 0.00060; 1000 Genomes Project 30x 0.00062.
gnomAD v4.1: 23 of 1,613,802 alleles (0.0014%); highest among the groups gnomAD compares: Admixed American, 0.03%; 1 homozygote.

Submissions (3):

Ambry Genetics
Classification: Uncertain significance for Inborn genetic diseases. Last evaluated: 2025-08-20. Review status: criteria provided, single submitter. Criteria: Ambry Variant Classification Scheme 2023. Collection method: clinical testing. Allele origin: germline.

Fulgent Genetics
Classification: Uncertain significance for Ocular cystinosis; Nephropathic cystinosis; Juvenile nephropathic cystinosis. Last evaluated: 2024-04-08. Review status: criteria provided, single submitter. Criteria: ACMG Guidelines, 2015. Collection method: clinical testing. Allele origin: germline.

Labcorp Genetics (formerly Invitae), Labcorp
Classification: Uncertain significance for Inborn genetic diseases; Ocular cystinosis; Juvenile nephropathic cystinosis. Last evaluated: 2022-06-04. Review status: criteria provided, single submitter. Criteria: Invitae Variant Classification Sherloc (09022015). Collection method: clinical testing. Allele origin: germline.
Comment: This sequence change replaces leucine, which is neutral and non-polar, with histidine, which is basic and polar, at codon 313 of the CTNS protein (p.Leu313His). This variant is present in population databases (rs183531080, gnomAD 0.009%), including at least one homozygous and/or hemizygous individual. This variant has not been reported in the literature in individuals affected with CTNS-related conditions. Advanced modeling of protein sequence and biophysical properties (such as structural, functional, and spatial information, amino acid conservation, physicochemical variation, residue mobility, and thermodynamic stability) performed at Invitae indicates that this missense variant is expected to disrupt CTNS protein function. In summary, the available evidence is currently insufficient to determine the role of this variant in disease. Therefore, it has been classified as a Variant of Uncertain Significance.

NM_004937.3(CTNS):c.938T>A (p.Leu313His)

Gene: CTNS (cystinosin, lysosomal cystine transporter; plus strand). Cytogenetic location: 17p13.2.
Variant type: single nucleotide variant.
Coding change: c.938T>A on transcript NM_004937.3 (MANE Select); coding-DNA position 938, T replaced by A.
Protein change: p.Leu313His; replaces leucine 313 with histidine.
Molecular consequence: missense variant.
Genome position (GRCh38, 1-based): chr17:3,659,943, T>A. VCF-style: chr17-3659943-T-A. GRCh37 (hg19) VCF-style: chr17-3563237-T-A.
Other names: c.938T>A (NM_004937.2); c.938T>A, p.Leu313His (NM_001031681.3, NM_001374492.1); c.497T>A, p.Leu166His (NM_001374493.1, NM_001374494.1, NM_001374495.1 and 1 more transcripts); short protein forms L166H, L313H.
Identifiers: ClinVar variation 2060417 (VCV002060417.3), dbSNP rs183531080, ClinGen allele CA8291959.